The following is an entry in ClinVar:

NM_000492.4(CFTR):c.2252G>A (p.Arg751His)

Gene: CFTR (CF transmembrane conductance regulator; plus strand). Cytogenetic location: 7q31.2.
Variant type: single nucleotide variant.
Coding change: c.2252G>A on transcript NM_000492.4 (MANE Select); coding-DNA position 2252, G replaced by A.
Protein change: p.Arg751His; replaces arginine 751 with histidine.
Molecular consequence: missense variant.
Genome position (GRCh38, 1-based): chr7:117,592,419, G>A. VCF-style: chr7-117592419-G-A. GRCh37 (hg19) VCF-style: chr7-117232473-G-A.
Other names: short protein forms R751H.
Identifiers: ClinVar variation 618950 (VCV000618950.12), dbSNP rs397508357, ClinGen allele CA4451160.

ClinVar aggregate classification (germline): Uncertain significance. Review status: criteria provided, multiple submitters, no conflicts (2 of 4 stars). 4 submissions from 4 submitters: Uncertain significance (4). Last evaluated 2025-11-14.

Conditions:
Cystic fibrosis (CF). Also called: MUCOVISCIDOSIS. Identifiers: Orphanet 586, MedGen C0010674, MONDO:0009061, OMIM 219700. Disease mechanism: loss of function.
CFTR-related disorder (CFTR-RD). Also called: CFTR-related condition; CFTR-related disorders. Identifiers: MedGen C5924204, MONDO:7770004.

Allele frequency attached by ClinVar (database versions not stated): gnomAD 0.00001; ExAC 0.00002; TOPMed 0.00002.
gnomAD v4.1: 18 of 1,612,530 alleles (0.0011%); highest among the groups gnomAD compares: Non-Finnish European, 0.0014%; no homozygotes.

Submissions (4):

Ambry Genetics
Classification: Uncertain significance for Cystic fibrosis. Last evaluated: 2025-11-14. Review status: criteria provided, single submitter. Criteria: Ambry Variant Classification Scheme 2023. Collection method: clinical testing. Allele origin: germline.
Comment: The p.R751H variant (also known as c.2252G>A), located in coding exon 14 of the CFTR gene, results from a G to A substitution at nucleotide position 2252. The arginine at codon 751 is replaced by histidine, an amino acid with highly similar properties. This amino acid position is well conserved in available vertebrate species. In addition, the in silico prediction for this alteration is inconclusive. Based on the available evidence, the clinical significance of this variant remains unclear.

PreventionGenetics, part of Exact Sciences
Classification: Uncertain significance for CFTR-related condition. Last evaluated: 2025-01-25. Review status: criteria provided, single submitter. Criteria: ACMG Guidelines, 2015. Collection method: clinical testing. Allele origin: germline.
Comment: The CFTR c.2252G>A variant is predicted to result in the amino acid substitution p.Arg751His. To our knowledge, this variant has not been reported in the literature. This variant is reported in 0.0027% of alleles in individuals of European (Non-Finnish) descent in gnomAD. At this time, the clinical significance of this variant is uncertain due to the absence of conclusive functional and genetic evidence.

Labcorp Genetics (formerly Invitae), Labcorp
Classification: Uncertain significance for Cystic fibrosis. Last evaluated: 2023-07-07. Review status: criteria provided, single submitter. Criteria: Invitae Variant Classification Sherloc (09022015). Collection method: clinical testing. Allele origin: germline.
Comment: In summary, the available evidence is currently insufficient to determine the role of this variant in disease. Therefore, it has been classified as a Variant of Uncertain Significance. Advanced modeling of protein sequence and biophysical properties (such as structural, functional, and spatial information, amino acid conservation, physicochemical variation, residue mobility, and thermodynamic stability) performed at Invitae indicates that this missense variant is not expected to disrupt CFTR protein function. ClinVar contains an entry for this variant (Variation ID: 618950). This variant has not been reported in the literature in individuals affected with CFTR-related conditions. This variant is present in population databases (rs397508357, gnomAD 0.003%). This sequence change replaces arginine, which is basic and polar, with histidine, which is basic and polar, at codon 751 of the CFTR protein (p.Arg751His).

Mendelics
Classification: Uncertain significance for Cystic fibrosis. Last evaluated: 2018-11-05. Review status: criteria provided, single submitter. Criteria: Mendelics Assertion Criteria 2017. Collection method: clinical testing. Allele origin: unknown. Affected: yes.